The following is an entry in ClinVar:

NM_001098511.3(KIF2A):c.1162G>C (p.Glu388Gln)

Gene: KIF2A (kinesin family member 2A; plus strand). Cytogenetic location: 5q12.1.
Variant type: single nucleotide variant.
Coding change: c.1162G>C on transcript NM_001098511.3 (MANE Select); coding-DNA position 1162, G replaced by C.
Protein change: p.Glu388Gln; replaces glutamic acid 388 with glutamine.
Molecular consequence: missense variant.
Genome position (GRCh38, 1-based): chr5:62,363,220, G>C. VCF-style: chr5-62363220-G-C. GRCh37 (hg19) VCF-style: chr5-61659047-G-C.
Other names: c.1081G>C, p.Glu361Gln (NM_001243952.2); c.1105G>C, p.Glu369Gln (NM_001243953.2); c.1162G>C, p.Glu388Gln (NM_004520.5); short protein forms E361Q, E369Q, E388Q.
Identifiers: ClinVar variation 3343306 (VCV003343306.2).
Genomic context (GRCh38, chr5:62,363,220, plus strand): 5'-GAATATGGTTTTTCATAGGTGTTTGACTTGCTAAACAGGAAAACAAAATTAAGAGTTCTA[G>C]AAGATGGAAAACAGCAGGTTCAAGTGGTGGGATTACAGGAACGGGAGGTCAAATGTGTTG-3'
Protein context (NP_001091981.1, residues 378-398): LNRKTKLRVL[Glu388Gln]DGKQQVQVVG

ClinVar aggregate classification (germline): Uncertain significance. Review status: criteria provided, multiple submitters, no conflicts (2 of 4 stars). 2 submissions from 2 submitters: Uncertain significance (2). Last evaluated 2024-04-11.

Submissions (2):

Blueprint Genetics
Classification: Uncertain significance. Last evaluated: 2024-04-11. Review status: criteria provided, single submitter. Criteria: ACMG Guidelines, 2015. Collection method: clinical testing. Allele origin: germline.

GeneDx
Classification: Uncertain significance. Last evaluated: 2023-05-03. Review status: criteria provided, single submitter. Criteria: GeneDx Variant Classification Process June 2021. Collection method: clinical testing. Allele origin: germline. Affected: yes.
Comment: Not observed at significant frequency in large population cohorts (gnomAD); In silico analysis supports that this missense variant has a deleterious effect on protein structure/function; Has not been previously published as pathogenic or benign to our knowledge